The following is an entry in ClinVar:

NM_007327.4(GRIN1):c.1236G>T (p.Lys412Asn)

Gene: GRIN1 (glutamate ionotropic receptor NMDA type subunit 1; plus strand). Cytogenetic location: 9q34.3.
Variant type: single nucleotide variant.
Coding change: c.1236G>T on transcript NM_007327.4 (MANE Select); coding-DNA position 1236, G replaced by T.
Protein change: p.Lys412Asn; replaces lysine 412 with asparagine.
Molecular consequence: missense variant.
Genome position (GRCh38, 1-based): chr9:137,161,094, G>T. VCF-style: chr9-137161094-G-T. GRCh37 (hg19) VCF-style: chr9-140055546-G-T.
Other names: c.1236G>T, p.Lys412Asn (NM_000832.7, NM_021569.4); c.1299G>T, p.Lys433Asn (NM_001185090.2, NM_001185091.2); short protein forms K412N, K433N.
Identifiers: ClinVar variation 3766078 (VCV003766078.2).

ClinVar aggregate classification (germline): Uncertain significance (1 of 4 stars; one submission).

Submission:

GeneDx
Classification: Uncertain significance. Last evaluated: 2025-05-30. Review status: criteria provided, single submitter. Criteria: GeneDx Variant Classification Process June 2021. Collection method: clinical testing. Allele origin: germline.
Comment: Not observed at significant frequency in large population cohorts (gnomAD); In silico analysis supports that this missense variant has a deleterious effect on protein structure/function; Has not been previously published as pathogenic or benign to our knowledge